The following is an entry in ClinVar:

NM_025219.3(DNAJC5):c.*4129G>C

Gene: DNAJC5 (DnaJ heat shock protein family (Hsp40) member C5; plus strand). Cytogenetic location: 20q13.33.
Variant type: single nucleotide variant.
Coding change: c.*4129G>C on transcript NM_025219.3 (MANE Select); 4129 bases downstream of the stop codon, G replaced by C.
Molecular consequence: 3 prime UTR variant.
Genome position (GRCh38, 1-based): chr20:63,935,697, G>C. VCF-style: chr20-63935697-G-C. GRCh37 (hg19) VCF-style: chr20-62567050-G-C.
Identifiers: ClinVar variation 339442 (VCV000339442.6), dbSNP rs191412647, ClinGen allele CA10652810.

ClinVar aggregate classification (germline): Benign (1 of 4 stars; one submission).

Conditions:
Ceroid lipofuscinosis, neuronal, 4 (Kufs type) (CLN4). Also called: Neuronal ceroid lipofuscinosis 4B; Ceroid lipofuscinosis, neuronal, 4, Parry type. Identifiers: Orphanet 228343, Orphanet 79262, MedGen C1834207, MONDO:0008083, OMIM 162350.

Allele frequency attached by ClinVar (database versions not stated): gnomAD 0.00034 and 0.00048; TOPMed 0.00061; 1000 Genomes Project 30x 0.00203; 1000 Genomes Project 0.00240.

Submission:

Illumina Laboratory Services, Illumina
Classification: Benign for Ceroid lipofuscinosis, neuronal, 4 (Kufs type). Last evaluated: 2018-01-12. Review status: criteria provided, single submitter. Criteria: ICSL Variant Classification Criteria 13 December 2019. Collection method: clinical testing. Allele origin: germline.
Comment: This variant was observed in the ICSL laboratory as part of a predisposition screen in an ostensibly healthy population. It had not been previously curated by ICSL or reported in the Human Gene Mutation Database (HGMD: prior to June 1st, 2018), and was therefore a candidate for classification through an automated scoring system. Utilizing variant allele frequency, disease prevalence and penetrance estimates, and inheritance mode, an automated score was calculated to assess if this variant is too frequent to cause the disease. Based on the score and internal cut-off values, a variant classified as benign is not then subjected to further curation. The score for this variant resulted in a classification of benign for this disease.